The following is an entry in ClinVar:

ClinVar aggregate classification (germline): Uncertain significance (1 of 4 stars; one submission).

Allele frequency attached by ClinVar (database versions not stated): gnomAD exomes below 0.00001; ExAC 0.00001; gnomAD 0.00001 and 0.00002; TOPMed 0.00001; 1000 Genomes Project 30x 0.00016; 1000 Genomes Project 0.00020.
gnomAD v4.1: 5 of 1,614,162 alleles (0.00031%); highest among the groups gnomAD compares: African/African-American, 0.0067%; no homozygotes.

Submission:

GeneDx
Classification: Uncertain significance. Last evaluated: 2017-01-24. Review status: criteria provided, single submitter. Criteria: GeneDx Variant Classification (06012015). Collection method: clinical testing. Allele origin: germline. Affected: yes.
Comment: A variant of uncertain significance has been identified in the FAT4 gene. The S3596C variant has not been published as a pathogenic variant, nor has it been reported as a benign variant to our knowledge. The S3596C variant is not observed at a significant frequency in large population cohorts (Lek et al., 2016; 1000 Genomes Consortium et al., 2015; Exome Variant Server). The S3596C variant is a non-conservative amino acid substitution, which is likely to impact secondary protein structure as these residues differ in polarity, charge, size and/or other properties. This substitution occurs at a position that is conserved across species and in silico analysis predicts this variant is probably damaging to the protein structure/function. However, missense variants in nearby residues have not been reported in Human Gene Mutation Database in association with FAT4-related disorders (Stenson et al., 2014). Therefore, based on the currently available information, it is unclear whether this variant is a pathogenic variant or a rare benign variant.

NM_001291303.3(FAT4):c.10793C>G (p.Ser3598Cys)

Gene: FAT4 (FAT atypical cadherin 4; plus strand). Cytogenetic location: 4q28.1.
Variant type: single nucleotide variant.
Coding change: c.10793C>G on transcript NM_001291303.3 (MANE Select); coding-DNA position 10793, C replaced by G.
Protein change: p.Ser3598Cys; replaces serine 3598 with cysteine.
Molecular consequence: missense variant.
Genome position (GRCh38, 1-based): chr4:125,451,803, C>G. VCF-style: chr4-125451803-C-G. GRCh37 (hg19) VCF-style: chr4-126372958-C-G.
Other names: c.10793C>G, p.Ser3598Cys (NM_001291285.3); c.10787C>G, p.Ser3596Cys (NM_024582.6); short protein forms S3596C, S3598C.
Identifiers: ClinVar variation 392961 (VCV000392961.2), dbSNP rs558897707, ClinGen allele CA3073738.